The following is an entry in ClinVar:

ClinVar aggregate classification (germline): Pathogenic. Review status: criteria provided, multiple submitters, no conflicts (2 of 4 stars). 3 submissions from 3 submitters: Pathogenic (3). Last evaluated 2025-05-01.

Conditions:
Severe combined immunodeficiency due to DCLRE1C deficiency (RS-SCID). Also called: SCID, AUTOSOMAL RECESSIVE, T CELL-NEGATIVE, B CELL-NEGATIVE, NK CELL-POSITIVE, WITH SENSITIVITY TO IONIZING RADIATION. Identifiers: Orphanet 275, MedGen C1865371, MONDO:0011225, OMIM 602450.
Histiocytic medullary reticulosis. Also called: SEVERE COMBINED IMMUNODEFICIENCY WITH HYPEREOSINOPHILIA; Omenn syndrome. Identifiers: Orphanet 39041, MedGen C2700553, MONDO:0011338, OMIM 603554.

Allele frequency attached by ClinVar (database versions not stated): TOPMed below 0.00001; gnomAD 0.00001.
gnomAD v4.1: 1 of 1,613,796 alleles (0.000062%); highest among the groups gnomAD compares: Non-Finnish European, 0.000085%; no homozygotes.

Submissions (4):

CeGaT Center for Human Genetics Tuebingen
Classification: Pathogenic. Last evaluated: 2025-05-01. Review status: criteria provided, single submitter. Criteria: CeGaT Center For Human Genetics Tuebingen Variant Classification Criteria Version 2. Collection method: clinical testing. Allele origin: germline. Affected: yes. Observed: 9 variant alleles.
Comment: DCLRE1C: PVS1:Strong, PM2, PM3, PP4:Moderate

Labcorp Genetics (formerly Invitae), Labcorp
Classification: Pathogenic for Athabaskan severe combined immunodeficiency. Last evaluated: 2024-12-03. Review status: criteria provided, single submitter. Criteria: Invitae Variant Classification Sherloc (09022015). Collection method: clinical testing. Allele origin: germline.
Comment: This sequence change affects a donor splice site in intron 6 of the DCLRE1C gene. It is expected to disrupt RNA splicing. Variants that disrupt the donor or acceptor splice site typically lead to a loss of protein function (PMID: 16199547), and loss-of-function variants in DCLRE1C are known to be pathogenic (PMID: 21664875, 26123418). This variant is not present in population databases (gnomAD no frequency). Disruption of this splice site has been observed in individuals with atypical clinical features of DCLRE1C deficiency (PMID: 19967552, 21390052). ClinVar contains an entry for this variant (Variation ID: 872164). Algorithms developed to predict the effect of sequence changes on RNA splicing suggest that this variant may disrupt the consensus splice site. For these reasons, this variant has been classified as Pathogenic.

Baylor Genetics
Classification: Pathogenic for Histiocytic medullary reticulosis. Last evaluated: 2023-11-03. Review status: criteria provided, single submitter. Criteria: ACMG Guidelines, 2015. Collection method: clinical testing. Allele origin: unknown.

Dr. Peter K. Rogan Lab, Western University
No classification provided (evidence only). Condition: Colon adenocarcinoma. Review status: no classification provided. Collection method: in vitro. Allele origin: not applicable. Functional consequence: retained intron. Not counted in ClinVar's aggregate classification.

Literature cited by the submitters: PubMed 16199547 (cited by Labcorp Genetics (formerly Invitae), Labcorp); PubMed 21664875 (cited by Labcorp Genetics (formerly Invitae), Labcorp); PubMed 26123418 (cited by Labcorp Genetics (formerly Invitae), Labcorp); PubMed 19967552 (cited by Labcorp Genetics (formerly Invitae), Labcorp); PubMed 21390052 (cited by Labcorp Genetics (formerly Invitae), Labcorp).

NM_001033855.3(DCLRE1C):c.464+1G>A

Gene: DCLRE1C (DNA cross-link repair 1C; minus strand). Cytogenetic location: 10p13.
Variant type: single nucleotide variant.
Coding change: c.464+1G>A on transcript NM_001033855.3 (MANE Select); the canonical splice donor site of the intron after coding-DNA position 464, G replaced by A.
Molecular consequence: splice donor variant.
Genome position (GRCh38, 1-based): chr10:14,935,462, C>T on the plus strand (G>A on the coding strand, the complement: DCLRE1C is on the minus strand). VCF-style: chr10-14935462-C-T. GRCh37 (hg19) VCF-style: chr10-14977461-C-T.
Other names: c.119+1G>A (NM_001350966.2, NM_001289078.2, NM_001289076.2 and 1 more transcripts); c.464+1G>A (NM_001350965.2); c.104+1G>A (NM_001350967.2, NM_001289077.2, NM_001289079.2 and 2 more transcripts).
Identifiers: ClinVar variation 872164 (VCV000872164.49), dbSNP rs1162344514, ClinGen allele CA376060024.
Genomic context (GRCh38, chr10:14,935,462, plus strand): 5'-GCAAGACTCCATTTCACAAAAATAAAATAAAATAAAATAAAACCTATACGAGGCCCAGTA[C>T]CTGCCCCCGGAGTGCAGAAGCTCCATTCTAGCAGCTTCTCCTTGCGCCAATCTGAAGTCT-3'